The following is an entry in ClinVar:

ClinVar aggregate classification (germline): Uncertain significance. Review status: criteria provided, multiple submitters, no conflicts (2 of 4 stars). 2 submissions from 2 submitters: Uncertain significance (2). Last evaluated 2025-06-12.

Conditions:
Hyperkalemic periodic paralysis. Also called: Familial hyperkalemic periodic paralysis; Gamstorp disease. Identifiers: Orphanet 682, MedGen C0238357, MONDO:0008224, OMIM 170500, HP:0007215.

Submissions (2):

Revvity Omics, Revvity
Classification: Uncertain significance. Last evaluated: 2025-06-12. Review status: criteria provided, single submitter. Criteria: ACMG Guidelines, 2015. Collection method: clinical testing. Allele origin: germline.

Labcorp Genetics (formerly Invitae), Labcorp
Classification: Uncertain significance for Hyperkalemic periodic paralysis. Last evaluated: 2025-06-06. Review status: criteria provided, single submitter. Criteria: Invitae Variant Classification Sherloc (09022015). Collection method: clinical testing. Allele origin: germline.
Comment: This sequence change replaces serine, which is neutral and polar, with leucine, which is neutral and non-polar, at codon 945 of the SCN4A protein (p.Ser945Leu). This variant is not present in population databases (gnomAD no frequency). This variant has not been reported in the literature in individuals affected with SCN4A-related conditions. Invitae Evidence Modeling of protein sequence and biophysical properties (such as structural, functional, and spatial information, amino acid conservation, physicochemical variation, residue mobility, and thermodynamic stability) indicates that this missense variant is not expected to disrupt SCN4A protein function with a negative predictive value of 95%. In summary, the available evidence is currently insufficient to determine the role of this variant in disease. Therefore, it has been classified as a Variant of Uncertain Significance.

NM_000334.4(SCN4A):c.2834C>T (p.Ser945Leu)

Genes: GH-LCR (growth hormone locus control region; plus strand), SCN4A (sodium voltage-gated channel alpha subunit 4; minus strand). Cytogenetic location: 17q23.3.
Variant type: single nucleotide variant.
Coding change: c.2834C>T on transcript NM_000334.4 (MANE Select); coding-DNA position 2834, C replaced by T.
Protein change: p.Ser945Leu; replaces serine 945 with leucine.
Molecular consequence: missense variant.
Genome position (GRCh38, 1-based): chr17:63,951,443, G>A on the plus strand (C>T on the coding strand, the complement: SCN4A is on the minus strand). VCF-style: chr17-63951443-G-A. GRCh37 (hg19) VCF-style: chr17-62028803-G-A.
Other names: short protein forms S945L.
Identifiers: ClinVar variation 4079971 (VCV004079971.2).